The following is an entry in ClinVar:

ClinVar aggregate classification (germline): Uncertain significance (1 of 4 stars; one submission).

gnomAD v4.1: 133 of 1,613,884 alleles (0.0082%); highest among the groups gnomAD compares: Non-Finnish European, 0.01%; no homozygotes.

Submission:

Labcorp Genetics (formerly Invitae), Labcorp
Classification: Uncertain significance. Last evaluated: 2025-08-07. Review status: criteria provided, single submitter. Criteria: Invitae Variant Classification Sherloc (09022015). Collection method: clinical testing. Allele origin: germline.
Comment: This sequence change replaces methionine, which is neutral and non-polar, with valine, which is neutral and non-polar, at codon 553 of the VPS11 protein (p.Met553Val). This variant is present in population databases (rs781993267, gnomAD 0.003%). This variant has not been reported in the literature in individuals affected with VPS11-related conditions. Invitae Evidence Modeling of protein sequence and biophysical properties (such as structural, functional, and spatial information, amino acid conservation, physicochemical variation, residue mobility, and thermodynamic stability) indicates that this missense variant is not expected to disrupt VPS11 protein function with a negative predictive value of 80%. In summary, the available evidence is currently insufficient to determine the role of this variant in disease. Therefore, it has been classified as a Variant of Uncertain Significance.

NM_021729.6(VPS11):c.1657A>G (p.Met553Val)

Gene: VPS11 (VPS11 core subunit of CORVET and HOPS complexes; plus strand). Cytogenetic location: 11q23.3.
Variant type: single nucleotide variant.
Coding change: c.1657A>G on transcript NM_021729.6 (MANE Select); coding-DNA position 1657, A replaced by G.
Protein change: p.Met553Val; replaces methionine 553 with valine.
Molecular consequence: missense variant. On other transcripts: non-coding transcript variant (8).
Genome position (GRCh38, 1-based): chr11:119,077,962, A>G. VCF-style: chr11-119077962-A-G. GRCh37 (hg19) VCF-style: chr11-118948672-A-G.
Other names: c.1627A>G, p.Met543Val (NM_001290185.2); c.1669A>G, p.Met557Val (NM_001378218.1, NM_001378219.1); c.1642A>G, p.Met548Val (NM_001378220.1); c.1639A>G, p.Met547Val (NM_001378221.1); short protein forms M543V, M547V, M548V, M553V, M557V.
Identifiers: ClinVar variation 4706244 (VCV004706244.1).
Genomic context (GRCh38, chr11:119,077,962, plus strand): 5'-ATCGGCAAGCTGCCTTTTGAGCAGGCAGAGAGCAACATGAAGCGCTACGGCAAGATCCTC[A>G]TGCACCACATACCAGAGCAGACAACTCAGTTGCTGAAGGGACTTTGTACTGATTATCGGC-3'
Protein context (NP_068375.3, residues 543-563): SNMKRYGKIL[Met553Val]HHIPEQTTQL